The following is an entry in ClinVar:

ClinVar aggregate classification (germline): Conflicting classifications of pathogenicity. Review status: criteria provided, conflicting classifications (1 of 4 stars). 10 submissions from 10 submitters: Uncertain significance (2); Likely benign (3). 5 of the submissions do not count toward it. Last evaluated 2026-03-01.

Conditions:
CRB2-related disorder. Also called: CRB2-related disorders; CRB2-related condition.
Obesity. Also called: Obesity disorder. Identifiers: Orphanet 71529, MedGen C0028754, MeSH D009765, MONDO:0011122, HP:0001513.

Allele frequency attached by ClinVar (database versions not stated): 1000 Genomes Project 0.00020; 1000 Genomes Project 30x 0.00031; gnomAD exomes 0.00101 and 0.00188; TOPMed 0.00135; gnomAD 0.00151 and 0.00159; ExAC 0.00247.
gnomAD v4.1: 2,590 of 1,429,464 alleles (0.18%); highest among the groups gnomAD compares: Non-Finnish European, 0.22%; 4 homozygotes.

Submissions (10):

CeGaT Center for Human Genetics Tuebingen
Classification: Likely benign. Last evaluated: 2026-03-01. Review status: criteria provided, single submitter. Criteria: CeGaT Center For Human Genetics Tuebingen Variant Classification Criteria Version 2. Collection method: clinical testing. Allele origin: germline. Affected: yes. Observed: 2 variant alleles.
Comment: CRB2: PP2, BS2

Labcorp Genetics (formerly Invitae), Labcorp
Classification: Likely benign. Last evaluated: 2026-01-16. Review status: criteria provided, single submitter. Criteria: Invitae Variant Classification Sherloc (09022015). Collection method: clinical testing. Allele origin: germline.

Women's Health and Genetics/Laboratory Corporation of America, LabCorp
Classification: Uncertain significance. Last evaluated: 2023-09-07. Review status: criteria provided, single submitter. Criteria: LabCorp Variant Classification Summary - May 2015. Collection method: clinical testing. Allele origin: germline.
Comment: Variant summary: CRB2 c.3128C>T (p.Ser1043Phe) results in a non-conservative amino acid change in the encoded protein sequence. Three of five in-silico tools predict a benign effect of the variant on protein function. The variant allele was found at a frequency of 0.0012 in 83332 control chromosomes (gnomAD), predominantly at a frequency of 0.0021 within the Non-Finnish European subpopulation in the gnomAD database, including 1 homozygote. To our knowledge, no occurrence of c.3128C>T in individuals affected with Focal Segmental Glomerulosclerosis 9 and no experimental evidence demonstrating its impact on protein function have been reported. Three ClinVar submitters have assessed the variant since 2014, and all three classified the variant as likely benign. Based on the evidence outlined above, the variant was classified as uncertain significance.

GeneDx
Classification: Likely benign. Last evaluated: 2021-04-05. Review status: criteria provided, single submitter. Criteria: GeneDx Variant Classification Process June 2021. Collection method: clinical testing. Allele origin: germline. Affected: yes.

Cambridge Genomics Laboratory, East Genomic Laboratory Hub, NHS Genomic Medicine Service
Classification: Uncertain significance for Obesity. Last evaluated: 2020-05-14. Review status: criteria provided, single submitter. Criteria: ACGS Best Practice Guidelines for Variant Classification in Rare Disease 2020. Collection method: clinical testing. Allele origin: germline. Affected: yes. Observed: 1 variant allele.

Genetic Services Laboratory, University of Chicago
Classification: Likely benign. Last evaluated: 2022-12-20. Review status: no assertion criteria provided. Collection method: clinical testing. Allele origin: germline. Affected: no. Not counted in ClinVar's aggregate classification.

PreventionGenetics, part of Exact Sciences
Classification: Likely benign for CRB2-related condition. Last evaluated: 2022-04-07. Review status: no assertion criteria provided. Collection method: clinical testing. Allele origin: germline. Not counted in ClinVar's aggregate classification.
Comment: This variant is classified as likely benign based on ACMG/AMP sequence variant interpretation guidelines (Richards et al. 2015 PMID: 25741868, with internal and published modifications).

Clinical Genetics DNA and cytogenetics Diagnostics Lab, Erasmus MC, Erasmus Medical Center
Classification: Likely benign. Review status: no assertion criteria provided. Collection method: clinical testing. Allele origin: germline. Affected: yes. Study: VKGL Data-share Consensus. Not counted in ClinVar's aggregate classification.

Genome Diagnostics Laboratory, University Medical Center Utrecht
Classification: Likely benign. Review status: no assertion criteria provided. Collection method: clinical testing. Allele origin: germline. Affected: yes. Study: VKGL Data-share Consensus. Not counted in ClinVar's aggregate classification.

Laboratory of Diagnostic Genome Analysis, Leiden University Medical Center (LUMC)
Classification: Likely benign. Review status: no assertion criteria provided. Collection method: clinical testing. Allele origin: germline. Affected: yes. Study: VKGL Data-share Consensus. Not counted in ClinVar's aggregate classification.

NM_173689.7(CRB2):c.3128C>T (p.Ser1043Phe)

Gene: CRB2 (crumbs cell polarity complex component 2; plus strand). Cytogenetic location: 9q33.3.
Variant type: single nucleotide variant.
Coding change: c.3128C>T on transcript NM_173689.7 (MANE Select); coding-DNA position 3128, C replaced by T.
Protein change: p.Ser1043Phe; replaces serine 1043 with phenylalanine.
Molecular consequence: missense variant. On other transcripts: non-coding transcript variant (1).
Genome position (GRCh38, 1-based): chr9:123,373,659, C>T. VCF-style: chr9-123373659-C-T. GRCh37 (hg19) VCF-style: chr9-126135938-C-T.
Other names: short protein forms S1043F.
Identifiers: ClinVar variation 789303 (VCV000789303.43), dbSNP rs35578485, ClinGen allele CA5232363.